The following is an entry in ClinVar:

ClinVar aggregate classification (germline): Uncertain significance. Review status: criteria provided, multiple submitters, no conflicts (2 of 4 stars). 2 submissions from 2 submitters: Uncertain significance (2). Last evaluated 2024-10-25.

Conditions:
Inborn genetic diseases. Identifiers: MedGen C0950123, MeSH D030342.

Allele frequency attached by ClinVar (database versions not stated): gnomAD 0.00005; gnomAD exomes 0.00006; TOPMed 0.00008; ExAC 0.00009; ESP Exome Variant Server 0.00015.

Submissions (2):

Labcorp Genetics (formerly Invitae), Labcorp
Classification: Uncertain significance. Last evaluated: 2024-10-25. Review status: criteria provided, single submitter. Criteria: Invitae Variant Classification Sherloc (09022015). Collection method: clinical testing. Allele origin: germline.
Comment: This sequence change replaces valine, which is neutral and non-polar, with methionine, which is neutral and non-polar, at codon 206 of the NRIP1 protein (p.Val206Met). This variant is present in population databases (rs141082049, gnomAD 0.03%). This variant has not been reported in the literature in individuals affected with NRIP1-related conditions. ClinVar contains an entry for this variant (Variation ID: 2561331). An algorithm developed to predict the effect of missense changes on protein structure and function (PolyPhen-2) suggests that this variant is likely to be disruptive. In summary, the available evidence is currently insufficient to determine the role of this variant in disease. Therefore, it has been classified as a Variant of Uncertain Significance.

Ambry Genetics
Classification: Uncertain significance for Inborn genetic diseases. Last evaluated: 2023-05-24. Review status: criteria provided, single submitter. Criteria: Ambry Variant Classification Scheme 2023. Collection method: clinical testing. Allele origin: germline.

NM_003489.4(NRIP1):c.616G>A (p.Val206Met)

Gene: NRIP1 (nuclear receptor interacting protein 1; minus strand). Cytogenetic location: 21q11.2.
Variant type: single nucleotide variant.
Coding change: c.616G>A on transcript NM_003489.4 (MANE Select); coding-DNA position 616, G replaced by A.
Protein change: p.Val206Met; replaces valine 206 with methionine.
Molecular consequence: missense variant.
Genome position (GRCh38, 1-based): chr21:14,967,577, C>T on the plus strand (G>A on the coding strand, the complement: NRIP1 is on the minus strand). VCF-style: chr21-14967577-C-T. GRCh37 (hg19) VCF-style: chr21-16339898-C-T.
Other names: short protein forms V206M.
Identifiers: ClinVar variation 2561331 (VCV002561331.4), dbSNP rs141082049, ClinGen allele CA9981464.